The following is an entry in ClinVar:

ClinVar aggregate classification (germline): Uncertain significance (1 of 4 stars; one submission).

Conditions:
Norman-Roberts syndrome (LIS2). Also called: Lissencephaly 2 (Norman-Roberts type). Identifiers: Orphanet 89844, MedGen C0796089, MONDO:0009760, OMIM 257320.
Familial temporal lobe epilepsy 7. Identifiers: Orphanet 101046, MedGen C4225327, MONDO:0014639, OMIM 616436.

Submission:

Labcorp Genetics (formerly Invitae), Labcorp
Classification: Uncertain significance for Familial temporal lobe epilepsy 7; Norman-Roberts syndrome. Last evaluated: 2025-01-14. Review status: criteria provided, single submitter. Criteria: Invitae Variant Classification Sherloc (09022015). Collection method: clinical testing. Allele origin: germline.
Comment: This sequence change replaces glutamine, which is neutral and polar, with arginine, which is basic and polar, at codon 1390 of the RELN protein (p.Gln1390Arg). This variant is not present in population databases (gnomAD no frequency). This variant has not been reported in the literature in individuals affected with RELN-related conditions. Invitae Evidence Modeling of protein sequence and biophysical properties (such as structural, functional, and spatial information, amino acid conservation, physicochemical variation, residue mobility, and thermodynamic stability) indicates that this missense variant is not expected to disrupt RELN protein function with a negative predictive value of 80%. In summary, the available evidence is currently insufficient to determine the role of this variant in disease. Therefore, it has been classified as a Variant of Uncertain Significance.

NM_005045.4(RELN):c.4169A>G (p.Gln1390Arg)

Gene: RELN (reelin; minus strand). Cytogenetic location: 7q22.1.
Variant type: single nucleotide variant.
Coding change: c.4169A>G on transcript NM_005045.4 (MANE Select); coding-DNA position 4169, A replaced by G.
Protein change: p.Gln1390Arg; replaces glutamine 1390 with arginine.
Molecular consequence: missense variant.
Genome position (GRCh38, 1-based): chr7:103,575,682, T>C on the plus strand (A>G on the coding strand, the complement: RELN is on the minus strand). VCF-style: chr7-103575682-T-C. GRCh37 (hg19) VCF-style: chr7-103216129-T-C.
Other names: c.4169A>G, p.Gln1390Arg (NM_173054.3); short protein forms Q1390R.
Identifiers: ClinVar variation 3758691 (VCV003758691.2).